The following is an entry in ClinVar:

NM_004415.4(DSP):c.274G>A (p.Glu92Lys)

Gene: DSP (desmoplakin; plus strand). Cytogenetic location: 6p24.3.
Variant type: single nucleotide variant.
Coding change: c.274G>A on transcript NM_004415.4 (MANE Select); coding-DNA position 274, G replaced by A.
Protein change: p.Glu92Lys; replaces glutamic acid 92 with lysine.
Molecular consequence: missense variant.
Genome position (GRCh38, 1-based): chr6:7,558,116, G>A. VCF-style: chr6-7558116-G-A. GRCh37 (hg19) VCF-style: chr6-7558349-G-A.
Other names: c.274G>A, p.Glu92Lys (NM_001008844.3, NM_001319034.2, NM_001406591.1); short protein forms E92K.
Identifiers: ClinVar variation 1795542 (VCV001795542.2), dbSNP rs2533848829, ClinGen allele CA362671095.

ClinVar aggregate classification (germline): Uncertain significance (1 of 4 stars; one submission).

Conditions:
Cardiovascular phenotype. Identifiers: MedGen CN230736.

gnomAD v4.1: 4 of 1,614,202 alleles (0.00025%); highest among the groups gnomAD compares: South Asian, 0.0033%; no homozygotes.

Submission:

Ambry Genetics
Classification: Uncertain significance for Cardiovascular phenotype. Last evaluated: 2021-11-24. Review status: criteria provided, single submitter. Criteria: Ambry Variant Classification Scheme 2023. Collection method: clinical testing. Allele origin: germline.
Comment: The p.E92K variant (also known as c.274G>A) is located in coding exon 3 of the DSP gene. The glutamic acid at codon 92 is replaced by lysine, an amino acid with similar properties. This change occurs in the first base pair of coding exon 3. This amino acid position is conserved. In addition, the in silico prediction for this alteration is inconclusive. Since supporting evidence is limited at this time, the clinical significance of this alteration remains unclear.